The following is an entry in ClinVar:

ClinVar aggregate classification (germline): Uncertain significance. Review status: criteria provided, multiple submitters, no conflicts (2 of 4 stars). 3 submissions from 3 submitters: Uncertain significance (3). Last evaluated 2025-10-04.

Conditions:
Cardiomyopathy (CMYO). Also called: Cardiomyopathies. Identifiers: Orphanet 167848, MedGen C0878544, MONDO:0004994, HP:0001638. Inheritance: Various modes of inheritance.
Hypertrophic cardiomyopathy. Also called: HYPERTROPHIC MYOCARDIOPATHY. Identifiers: Orphanet 217569, MedGen C0007194, MeSH D002312, MONDO:0005045, HP:0001639.

Allele frequency attached by ClinVar (database versions not stated): gnomAD exomes below 0.00001 and 0.00001; TOPMed 0.00001.
gnomAD v4.1: 4 of 1,612,934 alleles (0.00025%); highest among the groups gnomAD compares: East Asian, 0.0089%; no homozygotes.

Submissions (3):

Labcorp Genetics (formerly Invitae), Labcorp
Classification: Uncertain significance for Hypertrophic cardiomyopathy. Last evaluated: 2025-10-04. Review status: criteria provided, single submitter. Criteria: Invitae Variant Classification Sherloc (09022015). Collection method: clinical testing. Allele origin: germline.
Comment: This sequence change replaces phenylalanine, which is neutral and non-polar, with cysteine, which is neutral and slightly polar, at codon 139 of the TNNI3 protein (p.Phe139Cys). This variant is present in population databases (no rsID available, gnomAD 0.02%). This missense change has been observed in individual(s) with TNNI3-related cardiomyopathy (PMID: 30165862, 30385303; internal data). ClinVar contains an entry for this variant (Variation ID: 1171307). An algorithm developed to predict the effect of missense changes on protein structure and function (PolyPhen-2) suggests that this variant is likely to be disruptive. In summary, the available evidence is currently insufficient to determine the role of this variant in disease. Therefore, it has been classified as a Variant of Uncertain Significance.

All of Us Research Program, National Institutes of Health
Classification: Uncertain significance for Hypertrophic cardiomyopathy. Last evaluated: 2023-05-04. Review status: criteria provided, single submitter. Criteria: ACMG Guidelines, 2015. Collection method: clinical testing. Allele origin: germline. Inheritance: Autosomal dominant inheritance. Observed: 1 variant allele, 1 heterozygote.
Comment: This missense variant replaces phenylalanine with cysteine at codon 139 of the TNNI3 protein. Computational prediction suggests that this variant may have deleterious impact on protein structure and function (internally defined REVEL score threshold >= 0.7, PMID: 27666373). To our knowledge, functional studies have not been reported for this variant. This variant has been reported in an individual affected with arrhythmogenic cardiomyopathy and in an unaffected family member of this proband (PMID: 30385303). This variant has been identified in 3/248810 chromosomes in the general population by the Genome Aggregation Database (gnomAD). The available evidence is insufficient to determine the role of this variant in disease conclusively. Therefore, this variant is classified as a Variant of Uncertain Significance.

This study involves interpretation of variants in research participants for the purpose of population health screening. Participant phenotype was not available at the time of variant classification. Additional details can be found in publication PMID: 35346344, PMCID: PMC8962531

Color Diagnostics, LLC DBA Color Health
Classification: Uncertain significance for Cardiomyopathy. Last evaluated: 2023-04-05. Review status: criteria provided, single submitter. Criteria: ACMG Guidelines, 2015. Collection method: clinical testing. Allele origin: germline.
Comment: This missense variant replaces phenylalanine with cysteine at codon 139 of the TNNI3 protein. Computational prediction suggests that this variant may have a deleterious impact on protein structure and function (internally defined REVEL score threshold >= 0.7, PMID: 27666373). To our knowledge, functional studies have not been reported for this variant. This variant has been reported in an individual affected with arrhythmogenic cardiomyopathy and in an unaffected family member (PMID: 30385303). This variant has been identified in 3/248810 chromosomes in the general population by the Genome Aggregation Database (gnomAD). The available evidence is insufficient to determine the role of this variant in disease conclusively. Therefore, this variant is classified as a Variant of Uncertain Significance.

Literature cited by the submitters: PubMed 30165862 (cited by Labcorp Genetics (formerly Invitae), Labcorp); PubMed 30385303 (cited by 3 submitters).

NM_000363.5(TNNI3):c.416T>G (p.Phe139Cys)

Gene: TNNI3 (troponin I3, cardiac type; minus strand). Cytogenetic location: 19q13.42.
Variant type: single nucleotide variant.
Coding change: c.416T>G on transcript NM_000363.5 (MANE Select); coding-DNA position 416, T replaced by G.
Protein change: p.Phe139Cys; replaces phenylalanine 139 with cysteine.
Molecular consequence: missense variant.
Genome position (GRCh38, 1-based): chr19:55,154,163, A>C on the plus strand (T>G on the coding strand, the complement: TNNI3 is on the minus strand). VCF-style: chr19-55154163-A-C. GRCh37 (hg19) VCF-style: chr19-55665531-A-C.
Other names: short protein forms F139C.
Identifiers: ClinVar variation 1171307 (VCV001171307.12), dbSNP rs1462112345, ClinGen allele CA407440617.
Genomic context (GRCh38, chr19:55,154,163, plus strand): 5'-AGCAGCGCCTGCATCATGGCATCTGCAGAGATCCTCACTCTCCGCAGGGTGGGCCGCTTA[A>C]ACTTGCCTCGAAGGTCAAAGATCTTCTGAGTCAGATCTGCAATCTGGGGGCACACGAGGG-3'
Protein context (NP_000354.4, residues 129-149): TQKIFDLRGK[Phe139Cys]KRPTLRRVRI